The following is an entry in ClinVar:

ClinVar aggregate classification (germline): Conflicting classifications of pathogenicity. Review status: criteria provided, conflicting classifications (1 of 4 stars). 2 submissions from 2 submitters: Uncertain significance (1); Likely benign (1). Last evaluated 2026-01-06.

Conditions:
Inborn genetic diseases. Identifiers: MedGen C0950123, MeSH D030342.

Submissions (2):

Ambry Genetics
Classification: Likely benign for Inborn genetic diseases. Last evaluated: 2026-01-06. Review status: criteria provided, single submitter. Criteria: Ambry Variant Classification Scheme 2023. Collection method: clinical testing. Allele origin: germline.

Labcorp Genetics (formerly Invitae), Labcorp
Classification: Uncertain significance. Last evaluated: 2024-05-07. Review status: criteria provided, single submitter. Criteria: Invitae Variant Classification Sherloc (09022015). Collection method: clinical testing. Allele origin: germline.
Comment: This sequence change replaces glycine, which is neutral and non-polar, with alanine, which is neutral and non-polar, at codon 366 of the ANKRD26 protein (p.Gly366Ala). This variant is not present in population databases (gnomAD no frequency). This variant has not been reported in the literature in individuals affected with ANKRD26-related conditions. Algorithms developed to predict the effect of missense changes on protein structure and function output the following: SIFT: "Not Available"; PolyPhen-2: "Benign"; Align-GVGD: "Not Available". The alanine amino acid residue is found in multiple mammalian species, which suggests that this missense change does not adversely affect protein function. In summary, the available evidence is currently insufficient to determine the role of this variant in disease. Therefore, it has been classified as a Variant of Uncertain Significance.

NM_014915.3(ANKRD26):c.1097G>C (p.Gly366Ala)

Gene: ANKRD26 (ankyrin repeat domain 26; minus strand). Cytogenetic location: 10p12.1.
Variant type: single nucleotide variant.
Coding change: c.1097G>C on transcript NM_014915.3 (MANE Select); coding-DNA position 1097, G replaced by C.
Protein change: p.Gly366Ala; replaces glycine 366 with alanine.
Molecular consequence: missense variant.
Genome position (GRCh38, 1-based): chr10:27,067,267, C>G on the plus strand (G>C on the coding strand, the complement: ANKRD26 is on the minus strand). VCF-style: chr10-27067267-C-G. GRCh37 (hg19) VCF-style: chr10-27356196-C-G.
Other names: c.1097G>C, p.Gly366Ala (NM_001256053.2); short protein forms G366A.
Identifiers: ClinVar variation 2705626 (VCV002705626.4), dbSNP rs1464575626, ClinGen allele CA376360072.